The following is an entry in ClinVar:

ClinVar aggregate classification (germline): Uncertain significance (1 of 4 stars; one submission).

Conditions:
Nephronophthisis. Also called: Juvenile Nephronophthisis. Identifiers: Orphanet 655, MedGen C0687120, MONDO:0019005, HP:0000090.

Submission:

Labcorp Genetics (formerly Invitae), Labcorp
Classification: Uncertain significance for Nephronophthisis. Last evaluated: 2022-01-13. Review status: criteria provided, single submitter. Criteria: Invitae Variant Classification Sherloc (09022015). Collection method: clinical testing. Allele origin: germline.
Comment: Algorithms developed to predict the effect of missense changes on protein structure and function are either unavailable or do not agree on the potential impact of this missense change (SIFT: "Deleterious"; PolyPhen-2: "Possibly Damaging"; Align-GVGD: "Class C0"). In summary, the available evidence is currently insufficient to determine the role of this variant in disease. Therefore, it has been classified as a Variant of Uncertain Significance. ClinVar contains an entry for this variant (Variation ID: 938060). This variant has not been reported in the literature in individuals affected with NPHP3-related conditions. This variant is not present in population databases (gnomAD no frequency). This sequence change replaces cysteine, which is neutral and slightly polar, with tyrosine, which is neutral and polar, at codon 816 of the NPHP3 protein (p.Cys816Tyr).

NM_153240.5(NPHP3):c.2447G>A (p.Cys816Tyr)

Genes: NPHP3 (nephrocystin 3; minus strand), NPHP3-ACAD11 (NPHP3-ACAD11 readthrough (NMD candidate); minus strand). Cytogenetic location: 3q22.1.
Variant type: single nucleotide variant.
Coding change: c.2447G>A on transcript NM_153240.5 (MANE Select); coding-DNA position 2447, G replaced by A.
Protein change: p.Cys816Tyr; replaces cysteine 816 with tyrosine.
Molecular consequence: missense variant. On other transcripts: non-coding transcript variant (1).
Genome position (GRCh38, 1-based): chr3:132,692,682, C>T on the plus strand (G>A on the coding strand, the complement: NPHP3 is on the minus strand). VCF-style: chr3-132692682-C-T. GRCh37 (hg19) VCF-style: chr3-132411526-C-T.
Other names: short protein forms C816Y.
Identifiers: ClinVar variation 938060 (VCV000938060.9), dbSNP rs1939330730, ClinGen allele CA354581287.